The following is an entry in ClinVar:

ClinVar aggregate classification (germline): Uncertain significance. Review status: criteria provided, multiple submitters, no conflicts (2 of 4 stars). 2 submissions from 2 submitters: Uncertain significance (2). Last evaluated 2023-09-26.

Submissions (2):

Ambry Genetics
Classification: Uncertain significance. Last evaluated: 2023-09-26. Review status: criteria provided, single submitter. Criteria: Ambry Variant Classification Scheme 2023. Collection method: clinical testing. Allele origin: germline.

Labcorp Genetics (formerly Invitae), Labcorp
Classification: Uncertain significance. Last evaluated: 2022-10-29. Review status: criteria provided, single submitter. Criteria: Invitae Variant Classification Sherloc (09022015). Collection method: clinical testing. Allele origin: germline.
Comment: This sequence change replaces proline, which is neutral and non-polar, with arginine, which is basic and polar, at codon 2120 of the FAT2 protein (p.Pro2120Arg). In summary, the available evidence is currently insufficient to determine the role of this variant in disease. Therefore, it has been classified as a Variant of Uncertain Significance. Algorithms developed to predict the effect of missense changes on protein structure and function (SIFT, PolyPhen-2, Align-GVGD) all suggest that this variant is likely to be disruptive. This variant has not been reported in the literature in individuals affected with FAT2-related conditions. This variant is not present in population databases (gnomAD no frequency).

NM_001447.3(FAT2):c.6359C>G (p.Pro2120Arg)

Genes: FAT2 (FAT atypical cadherin 2; minus strand), SLC36A1 (solute carrier family 36 member 1; plus strand). Cytogenetic location: 5q33.1.
Variant type: single nucleotide variant.
Coding change: c.6359C>G on transcript NM_001447.3 (MANE Select); coding-DNA position 6359, C replaced by G.
Protein change: p.Pro2120Arg; replaces proline 2120 with arginine.
Molecular consequence: missense variant.
Genome position (GRCh38, 1-based): chr5:151,544,768, G>C on the plus strand (C>G on the coding strand, the complement: FAT2 is on the minus strand). VCF-style: chr5-151544768-G-C. GRCh37 (hg19) VCF-style: chr5-150924329-G-C.
Other names: c.6359C>G (NM_001447.2); short protein forms P2120R.
Identifiers: ClinVar variation 2725020 (VCV002725020.4), dbSNP rs572764567, ClinGen allele CA361839197.